The following is an entry in ClinVar:

ClinVar aggregate classification (germline): Uncertain significance. Review status: criteria provided, multiple submitters, no conflicts (2 of 4 stars). 4 submissions from 4 submitters: Uncertain significance (4). Last evaluated 2024-10-10.

Conditions:
Hereditary cancer-predisposing syndrome. Also called: Tumor predisposition; Hereditary Cancer Syndrome; Hereditary neoplastic syndrome; Neoplastic Syndromes, Hereditary. Identifiers: Orphanet 140162, MedGen C0027672, MeSH D009386, MONDO:0015356.
Tuberous sclerosis syndrome (TSC). Also called: Tuberous Sclerosis Complex; Tuberous sclerosis. Identifiers: Orphanet 805, MedGen C0041341, MONDO:0001734.
Tuberous sclerosis 2 (TSC2). Identifiers: Orphanet 805, MedGen C1860707, MONDO:0013199, OMIM 613254.

gnomAD v4.1: 3 of 1,613,538 alleles (0.00019%); highest among the groups gnomAD compares: African/African-American, 0.0013%; no homozygotes.

Submissions (4):

Labcorp Genetics (formerly Invitae), Labcorp
Classification: Uncertain significance for Tuberous sclerosis 2. Last evaluated: 2024-10-10. Review status: criteria provided, single submitter. Criteria: Invitae Variant Classification Sherloc (09022015). Collection method: clinical testing. Allele origin: germline.
Comment: This sequence change replaces leucine, which is neutral and non-polar, with methionine, which is neutral and non-polar, at codon 747 of the TSC2 protein (p.Leu747Met). This variant is not present in population databases (gnomAD no frequency). This variant has not been reported in the literature in individuals affected with TSC2-related conditions. ClinVar contains an entry for this variant (Variation ID: 233802). Invitae Evidence Modeling of protein sequence and biophysical properties (such as structural, functional, and spatial information, amino acid conservation, physicochemical variation, residue mobility, and thermodynamic stability) indicates that this missense variant is not expected to disrupt TSC2 protein function with a negative predictive value of 95%. In summary, the available evidence is currently insufficient to determine the role of this variant in disease. Therefore, it has been classified as a Variant of Uncertain Significance.

Ambry Genetics
Classification: Uncertain significance for Hereditary cancer-predisposing syndrome. Last evaluated: 2024-04-10. Review status: criteria provided, single submitter. Criteria: Ambry Variant Classification Scheme 2023. Collection method: clinical testing. Allele origin: germline.
Comment: The p.L747M variant (also known as c.2239C>A), located in coding exon 20 of the TSC2 gene, results from a C to A substitution at nucleotide position 2239. The leucine at codon 747 is replaced by methionine, an amino acid with highly similar properties. This amino acid position is not well conserved in available vertebrate species. In addition, the in silico prediction for this alteration is inconclusive. Since supporting evidence is limited at this time, the clinical significance of this alteration remains unclear.

All of Us Research Program, National Institutes of Health
Classification: Uncertain significance for Tuberous sclerosis syndrome. Last evaluated: 2023-10-27. Review status: criteria provided, single submitter. Criteria: ACMG Guidelines, 2015. Collection method: clinical testing. Allele origin: germline. Inheritance: Autosomal dominant inheritance. Observed: 2 variant alleles, 2 heterozygotes.
Comment: This study involves interpretation of variants in research participants for the purpose of population health screening. Participant phenotype was not available at the time of variant classification. Additional details can be found in publication PMID: 35346344, PMCID: PMC8962531

Genome-Nilou Lab
Classification: Uncertain significance for Tuberous sclerosis 2. Last evaluated: 2021-11-07. Review status: criteria provided, single submitter. Criteria: ACMG Guidelines, 2015. Collection method: clinical testing. Allele origin: germline. Affected: no.

NM_000548.5(TSC2):c.2239C>A (p.Leu747Met)

Gene: TSC2 (TSC complex subunit 2; plus strand). Cytogenetic location: 16p13.3.
Variant type: single nucleotide variant.
Coding change: c.2239C>A on transcript NM_000548.5 (MANE Select); coding-DNA position 2239, C replaced by A.
Protein change: p.Leu747Met; replaces leucine 747 with methionine.
Molecular consequence: missense variant.
Genome position (GRCh38, 1-based): chr16:2,072,867, C>A. VCF-style: chr16-2072867-C-A. GRCh37 (hg19) VCF-style: chr16-2122868-C-A.
Other names: c.2239C>A, p.Leu747Met (NM_001077183.3, NM_001114382.3, NM_001363528.2 and 3 more transcripts); c.2128C>A, p.Leu710Met (NM_001318827.2); c.2092C>A, p.Leu698Met (NM_001318829.2); c.1639C>A, p.Leu547Met (NM_001318831.2); c.2272C>A, p.Leu758Met (NM_001318832.2); short protein forms L747M, L710M, L547M, L698M, L758M.
Identifiers: ClinVar variation 233802 (VCV000233802.19), dbSNP rs45517221, ClinGen allele CA10579882.